The following is an entry in ClinVar:

ClinVar aggregate classification (germline): Likely pathogenic. Review status: criteria provided, multiple submitters, no conflicts (2 of 4 stars). 2 submissions from 2 submitters: Likely pathogenic (2). Last evaluated 2025-12-13.

Conditions:
Methylcobalamin deficiency type cblE (HMAE). Also called: HOMOCYSTINURIA-MEGALOBLASTIC ANEMIA, cblE TYPE; VITAMIN B12-RESPONSIVE HOMOCYSTINURIA, cblE TYPE; HOMOCYSTINURIA-MEGALOBLASTIC ANEMIA, cblE COMPLEMENTATION TYPE. Identifiers: Orphanet 2169, Orphanet 622, MedGen C1856057, MONDO:0009354, OMIM 236270.
Neural tube defects, folate-sensitive (NTDFS). Also called: NTD, FOLATE-SENSITIVE. Identifiers: Orphanet 823, MedGen C1866558, MONDO:0011120, OMIM 601634.

Submissions (2):

Labcorp Genetics (formerly Invitae), Labcorp
Classification: Likely pathogenic for Methylcobalamin deficiency type cblE. Last evaluated: 2025-12-13. Review status: criteria provided, single submitter. Criteria: Invitae Variant Classification Sherloc (09022015). Collection method: clinical testing. Allele origin: germline.
Comment: This sequence change affects an acceptor splice site in intron 4 of the MTRR gene. It is expected to disrupt RNA splicing. Variants that disrupt the donor or acceptor splice site typically lead to a loss of protein function (PMID: 16199547), and loss-of-function variants in MTRR are known to be pathogenic (PMID: 15714522). This variant is not present in population databases (gnomAD no frequency). This variant has not been reported in the literature in individuals affected with MTRR-related conditions. ClinVar contains an entry for this variant (Variation ID: 840253). Algorithms developed to predict the effect of sequence changes on RNA splicing suggest that this variant may disrupt the consensus splice site. In summary, the currently available evidence indicates that the variant is pathogenic, but additional data are needed to prove that conclusively. Therefore, this variant has been classified as Likely Pathogenic.

Baylor Genetics
Classification: Likely pathogenic for Neural tube defects, folate-sensitive. Last evaluated: 2023-08-09. Review status: criteria provided, single submitter. Criteria: ACMG Guidelines, 2015. Collection method: clinical testing. Allele origin: unknown.

Literature cited by the submitters: PubMed 16199547 (cited by Labcorp Genetics (formerly Invitae), Labcorp); PubMed 15714522 (cited by Labcorp Genetics (formerly Invitae), Labcorp).

NM_002454.3(MTRR):c.402-1G>T

Gene: MTRR (5-methyltetrahydrofolate-homocysteine methyltransferase reductase; plus strand). Cytogenetic location: 5p15.31.
Variant type: single nucleotide variant.
Coding change: c.402-1G>T on transcript NM_002454.3 (MANE Select); the canonical splice acceptor site of the intron before coding-DNA position 402, G replaced by T.
Molecular consequence: splice acceptor variant.
Genome position (GRCh38, 1-based): chr5:7,877,943, G>T. VCF-style: chr5-7877943-G-T. GRCh37 (hg19) VCF-style: chr5-7878056-G-T.
Other names: c.402-1G>T (NM_024010.4, NM_001364440.2, NM_001364441.2 and 1 more transcripts).
Identifiers: ClinVar variation 840253 (VCV000840253.9), dbSNP rs1734858651, ClinGen allele CA359156657.